The following is an entry in ClinVar:

NM_001282531.3(ADNP):c.2715C>T (p.Asn905=)

Gene: ADNP (activity dependent neuroprotector homeobox; minus strand). Cytogenetic location: 20q13.13.
Variant type: single nucleotide variant.
Coding change: c.2715C>T on transcript NM_001282531.3 (MANE Select); coding-DNA position 2715, C replaced by T.
Protein change: p.Asn905=; no amino-acid change (asparagine 905 retained).
Molecular consequence: synonymous variant.
Genome position (GRCh38, 1-based): chr20:50,891,999, G>A on the plus strand (C>T on the coding strand, the complement: ADNP is on the minus strand). VCF-style: chr20-50891999-G-A. GRCh37 (hg19) VCF-style: chr20-49508536-G-A.
Other names: c.2715C>T, p.Asn905= (NM_001282532.2, NM_001347511.2, NM_015339.5 and 1 more transcripts).
Identifiers: ClinVar variation 714188 (VCV000714188.32), dbSNP rs189208692, ClinGen allele CA9908539.

ClinVar aggregate classification (germline): Likely benign. Review status: criteria provided, multiple submitters, no conflicts (2 of 4 stars). 3 submissions from 3 submitters: Likely benign (3). Last evaluated 2026-01-26.

Allele frequency attached by ClinVar (database versions not stated): gnomAD exomes 0.00011 and 0.00018; gnomAD 0.00014 and 0.00016; ExAC 0.00017; TOPMed 0.00020; 1000 Genomes Project 0.00040; 1000 Genomes Project 30x 0.00078.
gnomAD v4.1: 185 of 1,614,134 alleles (0.011%); highest among the groups gnomAD compares: Admixed American, 0.06%; no homozygotes.

Submissions (3):

Labcorp Genetics (formerly Invitae), Labcorp
Classification: Likely benign. Last evaluated: 2026-01-26. Review status: criteria provided, single submitter. Criteria: Invitae Variant Classification Sherloc (09022015). Collection method: clinical testing. Allele origin: germline.

Blueprint Genetics
Classification: Likely benign. Last evaluated: 2024-11-01. Review status: criteria provided, single submitter. Criteria: ACMG Guidelines, 2015. Collection method: clinical testing. Allele origin: germline.

CeGaT Center for Human Genetics Tuebingen
Classification: Likely benign. Last evaluated: 2024-02-01. Review status: criteria provided, single submitter. Criteria: CeGaT Center For Human Genetics Tuebingen Variant Classification Criteria Version 2. Collection method: clinical testing. Allele origin: germline. Affected: yes. Observed: 1 variant allele.
Comment: ADNP: BP4, BP7